The following is an entry in ClinVar:

NM_022124.6(CDH23):c.2875G>T (p.Ala959Ser)

Gene: CDH23 (cadherin related 23; plus strand). Cytogenetic location: 10q22.1.
Variant type: single nucleotide variant.
Coding change: c.2875G>T on transcript NM_022124.6 (MANE Select); coding-DNA position 2875, G replaced by T.
Protein change: p.Ala959Ser; replaces alanine 959 with serine.
Molecular consequence: missense variant.
Genome position (GRCh38, 1-based): chr10:71,705,052, G>T. VCF-style: chr10-71705052-G-T. GRCh37 (hg19) VCF-style: chr10-73464809-G-T.
Other names: c.2875G>T, p.Ala959Ser (NM_001171930.2, NM_001171931.2); short protein forms A959S.
Identifiers: ClinVar variation 1508746 (VCV001508746.9), dbSNP rs200196800, ClinGen allele CA377139774.

ClinVar aggregate classification (germline): Uncertain significance. Review status: criteria provided, multiple submitters, no conflicts (2 of 4 stars). 2 submissions from 2 submitters: Uncertain significance (2). Last evaluated 2022-10-04.

Submissions (2):

Labcorp Genetics (formerly Invitae), Labcorp
Classification: Uncertain significance. Last evaluated: 2022-10-04. Review status: criteria provided, single submitter. Criteria: Invitae Variant Classification Sherloc (09022015). Collection method: clinical testing. Allele origin: germline.
Comment: In summary, the available evidence is currently insufficient to determine the role of this variant in disease. Therefore, it has been classified as a Variant of Uncertain Significance. Advanced modeling of protein sequence and biophysical properties (such as structural, functional, and spatial information, amino acid conservation, physicochemical variation, residue mobility, and thermodynamic stability) performed at Invitae indicates that this missense variant is not expected to disrupt CDH23 protein function. ClinVar contains an entry for this variant (Variation ID: 1508746). This variant has not been reported in the literature in individuals affected with CDH23-related conditions. This variant is not present in population databases (gnomAD no frequency). This sequence change replaces alanine, which is neutral and non-polar, with serine, which is neutral and polar, at codon 959 of the CDH23 protein (p.Ala959Ser).

Blueprint Genetics
Classification: Uncertain significance. Last evaluated: 2018-07-19. Review status: criteria provided, single submitter. Criteria: ACMG Guidelines, 2015. Collection method: clinical testing. Allele origin: germline.